The following is an entry in ClinVar:

ClinVar aggregate classification (germline): Benign. Review status: criteria provided, multiple submitters, no conflicts (2 of 4 stars). 7 submissions from 7 submitters: Benign (5). 2 of the submissions do not count toward it. Last evaluated 2026-08-01.

Conditions:
Fraser syndrome 1 (FRASRS1). Also called: CRYPTOPHTHALMOS WITH OTHER MALFORMATIONS. Identifiers: Orphanet 2052, MedGen C4551480, MONDO:0054737, OMIM 219000.

Allele frequency attached by ClinVar (database versions not stated): gnomAD exomes 0.01058; gnomAD 0.01459; ESP Exome Variant Server 0.01605; ExAC 0.01699; TOPMed 0.01862; 1000 Genomes Project 30x 0.03014; 1000 Genomes Project 0.03015.
gnomAD v4.1: 9,553 of 1,591,524 alleles (0.6%); highest among the groups gnomAD compares: African/African-American, 4.2%; 140 homozygotes.

Submissions (13):

CeGaT Center for Human Genetics Tuebingen
Classification: Benign. Last evaluated: 2026-08-01. Review status: criteria provided, single submitter. Criteria: CeGaT Center For Human Genetics Tuebingen Variant Classification Criteria Version 2. Collection method: clinical testing. Allele origin: germline. Affected: yes. Observed: 8 variant alleles.
Comment: FRAS1: BP4, BS1, BS2

Labcorp Genetics (formerly Invitae), Labcorp
Classification: Benign. Last evaluated: 2026-02-02. Review status: criteria provided, single submitter. Criteria: Invitae Variant Classification Sherloc (09022015). Collection method: clinical testing. Allele origin: germline.

Mayo Clinic Laboratories, Mayo Clinic
Classification: Benign. Last evaluated: 2022-11-15. Review status: criteria provided, single submitter. Criteria: ACMG Guidelines, 2015. Collection method: clinical testing. Allele origin: germline. Observed: 2 variant alleles.
Comment: BS1, BS2, BP4

Illumina Laboratory Services, Illumina
Classification: Benign for Fraser syndrome 1. Last evaluated: 2018-01-12. Review status: criteria provided, single submitter. Criteria: ICSL Variant Classification Criteria 13 December 2019. Collection method: clinical testing. Allele origin: germline.
Comment: This variant was observed in the ICSL laboratory as part of a predisposition screen in an ostensibly healthy population. It had not been previously curated by ICSL or reported in the Human Gene Mutation Database (HGMD: prior to June 1st, 2018), and was therefore a candidate for classification through an automated scoring system. Utilizing variant allele frequency, disease prevalence and penetrance estimates, and inheritance mode, an automated score was calculated to assess if this variant is too frequent to cause the disease. Based on the score and internal cut-off values, a variant classified as benign is not then subjected to further curation. The score for this variant resulted in a classification of benign for this disease.

Breakthrough Genomics
Classification: Benign. Review status: criteria provided, single submitter. Criteria: ACMG Guidelines, 2015. Collection method: not provided. Allele origin: germline. Inheritance: Autosomal recessive inheritance. Affected: yes.

Dr. Peter K. Rogan Lab, Western University
No classification provided (evidence only). Condition: Thyroid cancer, nonmedullary, 1. Review status: no classification provided. Collection method: in vitro. Allele origin: not applicable. Functional consequence: retained intron. Not counted in ClinVar's aggregate classification.

Dr. Peter K. Rogan Lab, Western University
No classification provided (evidence only). Condition: Uterine corpus endometrial carcinoma. Review status: no classification provided. Collection method: in vitro. Allele origin: not applicable. Functional consequence: skipped exon, retained intron. Not counted in ClinVar's aggregate classification.

Dr. Peter K. Rogan Lab, Western University
No classification provided (evidence only). Condition: Cervical cancer. Review status: no classification provided. Collection method: in vitro. Allele origin: not applicable. Functional consequence: retained intron. Not counted in ClinVar's aggregate classification.

Dr. Peter K. Rogan Lab, Western University
No classification provided (evidence only). Condition: Ovarian serous cystadenocarcinoma. Review status: no classification provided. Collection method: in vitro. Allele origin: not applicable. Functional consequence: retained intron. Not counted in ClinVar's aggregate classification.

Dr. Peter K. Rogan Lab, Western University
No classification provided (evidence only). Condition: Ovarian serous cystadenocarcinoma. Review status: no classification provided. Collection method: in vitro. Allele origin: not applicable. Functional consequence: retained intron. Not counted in ClinVar's aggregate classification.

Dr. Peter K. Rogan Lab, Western University
No classification provided (evidence only). Condition: Gastric cancer. Review status: no classification provided. Collection method: in vitro. Allele origin: not applicable. Functional consequence: retained intron. Not counted in ClinVar's aggregate classification.

Genome Diagnostics Laboratory, University Medical Center Utrecht
Classification: Benign. Review status: no assertion criteria provided. Collection method: clinical testing. Allele origin: germline. Affected: yes. Study: VKGL Data-share Consensus. Not counted in ClinVar's aggregate classification.

Laboratory of Diagnostic Genome Analysis, Leiden University Medical Center (LUMC)
Classification: Likely benign. Review status: no assertion criteria provided. Collection method: clinical testing. Allele origin: germline. Affected: yes. Study: VKGL Data-share Consensus. Not counted in ClinVar's aggregate classification.

NM_025074.7(FRAS1):c.308A>T (p.Glu103Val)

Gene: FRAS1 (Fraser extracellular matrix complex subunit 1; plus strand). Cytogenetic location: 4q21.21.
Variant type: single nucleotide variant.
Coding change: c.308A>T on transcript NM_025074.7 (MANE Select); coding-DNA position 308, A replaced by T.
Protein change: p.Glu103Val; replaces glutamic acid 103 with valine.
Molecular consequence: missense variant.
Genome position (GRCh38, 1-based): chr4:78,245,324, A>T. VCF-style: chr4-78245324-A-T. GRCh37 (hg19) VCF-style: chr4-79166478-A-T.
Other names: p.Glu103Val; c.308A>T, p.Glu103Val (NM_001166133.2); short protein forms E103V.
Identifiers: ClinVar variation 349656 (VCV000349656.38), dbSNP rs78711748, ClinGen allele CA2975888.